The following is an entry in ClinVar:

ClinVar aggregate classification (germline): Uncertain significance. Review status: criteria provided, multiple submitters, no conflicts (2 of 4 stars). 3 submissions from 3 submitters: Uncertain significance (3). Last evaluated 2025-06-09.

Conditions:
Inborn genetic diseases. Identifiers: MedGen C0950123, MeSH D030342.

Allele frequency attached by ClinVar (database versions not stated): ExAC 0.00001; gnomAD 0.00001; gnomAD exomes 0.00002; TOPMed 0.00002.
gnomAD v4.1: 29 of 1,613,688 alleles (0.0018%); highest among the groups gnomAD compares: East Asian, 0.0067%; no homozygotes.

Submissions (3):

Ambry Genetics
Classification: Uncertain significance for Inborn genetic diseases. Last evaluated: 2025-06-09. Review status: criteria provided, single submitter. Criteria: Ambry Variant Classification Scheme 2023. Collection method: clinical testing. Allele origin: germline.

GeneDx
Classification: Uncertain significance. Last evaluated: 2023-07-12. Review status: criteria provided, single submitter. Criteria: GeneDx Variant Classification Process June 2021. Collection method: clinical testing. Allele origin: germline. Affected: yes.
Comment: Not observed at significant frequency in large population cohorts (gnomAD); In silico analysis supports that this missense variant has a deleterious effect on protein structure/function; Has not been previously published as pathogenic or benign to our knowledge

Labcorp Genetics (formerly Invitae), Labcorp
Classification: Uncertain significance. Last evaluated: 2022-12-28. Review status: criteria provided, single submitter. Criteria: Invitae Variant Classification Sherloc (09022015). Collection method: clinical testing. Allele origin: germline.
Comment: This sequence change replaces arginine, which is basic and polar, with tryptophan, which is neutral and slightly polar, at codon 1912 of the MYH14 protein (p.Arg1912Trp). This variant is present in population databases (rs764485532, gnomAD 0.002%). This variant has not been reported in the literature in individuals affected with MYH14-related conditions. This missense change has been observed in at least one individual who was not affected with MYH14-related conditions (Invitae). Algorithms developed to predict the effect of missense changes on protein structure and function (SIFT, PolyPhen-2, Align-GVGD) all suggest that this variant is likely to be disruptive. In summary, the available evidence is currently insufficient to determine the role of this variant in disease. Therefore, it has been classified as a Variant of Uncertain Significance.

NM_001145809.2(MYH14):c.5857C>T (p.Arg1953Trp)

Gene: MYH14 (myosin heavy chain 14; plus strand). Cytogenetic location: 19q13.33.
Variant type: single nucleotide variant.
Coding change: c.5857C>T on transcript NM_001145809.2 (MANE Select); coding-DNA position 5857, C replaced by T.
Protein change: p.Arg1953Trp; replaces arginine 1953 with tryptophan.
Molecular consequence: missense variant.
Genome position (GRCh38, 1-based): chr19:50,309,074, C>T. VCF-style: chr19-50309074-C-T. GRCh37 (hg19) VCF-style: chr19-50812331-C-T.
Other names: c.5734C>T (NM_024729.3); c.5758C>T, p.Arg1920Trp (NM_001077186.2); c.5734C>T, p.Arg1912Trp (NM_024729.4); short protein forms R1920W, R1953W, R1912W.
Identifiers: ClinVar variation 2962235 (VCV002962235.5), dbSNP rs764485532, ClinGen allele CA9593917.